The following is an entry in ClinVar:

ClinVar aggregate classification (germline): Uncertain significance. Review status: criteria provided, multiple submitters, no conflicts (2 of 4 stars). 2 submissions from 2 submitters: Uncertain significance (2). Last evaluated 2022-07-05.

Conditions:
Inborn genetic diseases. Identifiers: MedGen C0950123, MeSH D030342.
Neuronopathy, distal hereditary motor, autosomal recessive 4. Also called: NEUROPATHY, DISTAL HEREDITARY MOTOR, AUTOSOMAL RECESSIVE 4; Autosomal recessive lower motor neuron disease with childhood onset. Identifiers: Orphanet 206580, MedGen C1970211, MONDO:0012608, OMIM 611067.
Charcot-Marie-Tooth disease recessive intermediate C. Also called: CHARCOT-MARIE-TOOTH NEUROPATHY, RECESSIVE INTERMEDIATE C. Identifiers: Orphanet 369867, MedGen C3809309, MONDO:0014154, OMIM 615376.

Allele frequency attached by ClinVar (database versions not stated): gnomAD exomes 0.00001 and 0.00002; gnomAD 0.00002; TOPMed 0.00002; ExAC 0.00003.
gnomAD v4.1: 16 of 1,613,060 alleles (0.00099%); highest among the groups gnomAD compares: Non-Finnish European, 0.0014%; no homozygotes.

Submissions (2):

Labcorp Genetics (formerly Invitae), Labcorp
Classification: Uncertain significance for Neuronopathy, distal hereditary motor, autosomal recessive 4; Charcot-Marie-Tooth disease recessive intermediate C. Last evaluated: 2022-07-05. Review status: criteria provided, single submitter. Criteria: Invitae Variant Classification Sherloc (09022015). Collection method: clinical testing. Allele origin: germline.
Comment: This sequence change replaces threonine, which is neutral and polar, with asparagine, which is neutral and polar, at codon 993 of the PLEKHG5 protein (p.Thr993Asn). This variant is present in population databases (rs769576836, gnomAD 0.005%). This variant has not been reported in the literature in individuals affected with PLEKHG5-related conditions. ClinVar contains an entry for this variant (Variation ID: 1044115). Algorithms developed to predict the effect of missense changes on protein structure and function are either unavailable or do not agree on the potential impact of this missense change (SIFT: "Tolerated"; PolyPhen-2: "Probably Damaging"; Align-GVGD: "Class C0"). In summary, the available evidence is currently insufficient to determine the role of this variant in disease. Therefore, it has been classified as a Variant of Uncertain Significance.

Ambry Genetics
Classification: Uncertain significance for Inborn genetic diseases. Last evaluated: 2019-08-30. Review status: criteria provided, single submitter. Criteria: Ambry Variant Classification Scheme 2023. Collection method: clinical testing. Allele origin: germline.
Comment: The p.T993N variant (also known as c.2978C>A), located in coding exon 19 of the PLEKHG5 gene, results from a C to A substitution at nucleotide position 2978. The threonine at codon 993 is replaced by asparagine, an amino acid with similar properties. This amino acid position is well conserved in available vertebrate species. In addition, this alteration is predicted to be tolerated by in silico analysis. Since supporting evidence is limited at this time, the clinical significance of this alteration remains unclear.

NM_020631.6(PLEKHG5):c.2978C>A (p.Thr993Asn)

Gene: PLEKHG5 (pleckstrin homology and RhoGEF domain containing G5; minus strand). Cytogenetic location: 1p36.31.
Variant type: single nucleotide variant.
Coding change: c.2978C>A on transcript NM_020631.6 (MANE Select); coding-DNA position 2978, C replaced by A.
Protein change: p.Thr993Asn; replaces threonine 993 with asparagine.
Molecular consequence: missense variant.
Genome position (GRCh38, 1-based): chr1:6,467,858, G>T on the plus strand (C>A on the coding strand, the complement: PLEKHG5 is on the minus strand). VCF-style: chr1-6467858-G-T. GRCh37 (hg19) VCF-style: chr1-6527918-G-T.
Other names: c.3089C>A, p.Thr1030Asn (NM_001042663.3, NM_001265592.2); c.2978C>A, p.Thr993Asn (NM_001042664.2, NM_001042665.2, NM_198681.4); c.3185C>A, p.Thr1062Asn (NM_001265593.2); c.2778C>A, p.Asp926Glu (NM_001265594.3); short protein forms D926E, T1030N, T993N, T1062N.
Identifiers: ClinVar variation 1044115 (VCV001044115.8), dbSNP rs769576836, ClinGen allele CA561054.